The following is an entry in ClinVar:

NM_000203.5(IDUA):c.1525-1G>C

Gene: IDUA (alpha-L-iduronidase; plus strand). Cytogenetic location: 4p16.3.
Variant type: single nucleotide variant.
Coding change: c.1525-1G>C on transcript NM_000203.5 (MANE Select); the canonical splice acceptor site of the intron before coding-DNA position 1525, G replaced by C.
Molecular consequence: splice acceptor variant.
Genome position (GRCh38, 1-based): chr4:1,003,344, G>C. VCF-style: chr4-1003344-G-C. GRCh37 (hg19) VCF-style: chr4-997132-G-C.
Other names: c.1129-1G>C (NM_001363576.1).
Identifiers: ClinVar variation 4817923 (VCV004817923.1).
Genomic context (GRCh38, chr4:1,003,344, plus strand): 5'-AGGTCGGGCCGAGCGTCCCCAGCTCCCCTGGAGAACCCTGAGGACCGGCCACTGCGCCCA[G>C]GACCCGGTGGCCGCGGCGCCCCGCCCCTTACCCGCCGGCGGCCGCCTGACCCTGCGCCCC-3'

ClinVar aggregate classification (germline): Likely pathogenic (1 of 4 stars; one submission).

Conditions:
Mucopolysaccharidosis type 1. Also called: IDUA deficiency; MPS I; Mucopolysaccharidosis Type I. Identifiers: Orphanet 579, MedGen C0023786, MONDO:0001586.

Submission:

Natera, Inc.
Classification: Likely pathogenic for Mucopolysaccharidosis type I. Last evaluated: 2025-06-06. Review status: criteria provided, single submitter. Criteria: Natera Variant Classification Schema (03/2026). Collection method: clinical testing. Allele origin: germline.
Comment: The c.1525-1G>C variant in IDUA is a canonical splice acceptor site variant predicted to affect pre-mRNA splicing, which may result in an abnormal transcript and altered protein product. This variant is expected to result in nonsense mediated decay, truncation, or a dysfunctional protein product. This variant is rare in the general population with a frequency below the threshold expected for the associated phenotype(s). This variant has been observed in one or more individuals affected with the associated recessive disease, as either homozygous or compound heterozygous with a second variant (PMID: 24798265). Given the available evidence, this variant is classified as Likely Pathogenic.

Literature cited by the submitters: PubMed 24798265.